The following is an entry in ClinVar:

NM_004252.5(NHERF1):c.242C>T (p.Ala81Val)

Genes: NHERF1 (NHERF family PDZ scaffold protein 1; plus strand), SLC9A3R1-AS1 (SLC9A3R1 antisense RNA 1; minus strand). Cytogenetic location: 17q25.1.
Variant type: single nucleotide variant.
Coding change: c.242C>T on transcript NM_004252.5 (MANE Select); coding-DNA position 242, C replaced by T.
Protein change: p.Ala81Val; replaces alanine 81 with valine.
Molecular consequence: missense variant. On other transcripts: non-coding transcript variant (1).
Genome position (GRCh38, 1-based): chr17:74,749,088, C>T. VCF-style: chr17-74749088-C-T. GRCh37 (hg19) VCF-style: chr17-72745227-C-T.
Other names: c.242C>T (NM_004252.3); short protein forms A81V.
Identifiers: ClinVar variation 2719302 (VCV002719302.4), dbSNP rs201874131, ClinGen allele CA8750563.

ClinVar aggregate classification (germline): Uncertain significance. Review status: criteria provided, multiple submitters, no conflicts (2 of 4 stars). 2 submissions from 2 submitters: Uncertain significance (2). Last evaluated 2025-08-13.

Conditions:
Inborn genetic diseases. Identifiers: MedGen C0950123, MeSH D030342.

Allele frequency attached by ClinVar (database versions not stated): 1000 Genomes Project 30x 0.00062; ESP Exome Variant Server 0.00033; 1000 Genomes Project 0.00060; ExAC 0.00014; TOPMed 0.00028; gnomAD 0.00036.
gnomAD v4.1: 87 of 1,587,832 alleles (0.0055%); highest among the groups gnomAD compares: African/African-American, 0.1%; no homozygotes.

Submissions (2):

Ambry Genetics
Classification: Uncertain significance for Inborn genetic diseases. Last evaluated: 2025-08-13. Review status: criteria provided, single submitter. Criteria: Ambry Variant Classification Scheme 2023. Collection method: clinical testing. Allele origin: germline.

Labcorp Genetics (formerly Invitae), Labcorp
Classification: Uncertain significance. Last evaluated: 2025-06-12. Review status: criteria provided, single submitter. Criteria: Invitae Variant Classification Sherloc (09022015). Collection method: clinical testing. Allele origin: germline.
Comment: This sequence change replaces alanine, which is neutral and non-polar, with valine, which is neutral and non-polar, at codon 81 of the SLC9A3R1 protein (p.Ala81Val). This variant is present in population databases (rs201874131, gnomAD 0.1%), and has an allele count higher than expected for a pathogenic variant. This variant has not been reported in the literature in individuals affected with SLC9A3R1-related conditions. ClinVar contains an entry for this variant (Variation ID: 2719302). An algorithm developed to predict the effect of missense changes on protein structure and function (PolyPhen-2) suggests that this variant is likely to be tolerated. In summary, the available evidence is currently insufficient to determine the role of this variant in disease. Therefore, it has been classified as a Variant of Uncertain Significance.